The following is an entry in ClinVar:

NM_020928.2(ZSWIM6):c.3075G>A (p.Met1025Ile)

Gene: ZSWIM6 (zinc finger SWIM-type containing 6; plus strand). Cytogenetic location: 5q12.1.
Variant type: single nucleotide variant.
Coding change: c.3075G>A on transcript NM_020928.2 (MANE Select); coding-DNA position 3075, G replaced by A.
Protein change: p.Met1025Ile; replaces methionine 1025 with isoleucine.
Molecular consequence: missense variant.
Genome position (GRCh38, 1-based): chr5:61,543,744, G>A. VCF-style: chr5-61543744-G-A. GRCh37 (hg19) VCF-style: chr5-60839571-G-A.
Other names: short protein forms M1025I.
Identifiers: ClinVar variation 4741783 (VCV004741783.1).
Genomic context (GRCh38, chr5:61,543,744, plus strand): 5'-GGATCACATAGCTTTTGAGACGGCGTACCAAATTGTTCTCGACGCTGCTACGACTGGCAT[G>A]AGCTATACACAGCTCTTTACAATAGCACGGTACATGGAGCACCGCGGGTACCCCATGAGG-3'
Protein context (NP_065979.1, residues 1015-1035): QIVLDAATTG[Met1025Ile]SYTQLFTIAR

ClinVar aggregate classification (germline): Uncertain significance (1 of 4 stars; one submission).

Submission:

Labcorp Genetics (formerly Invitae), Labcorp
Classification: Uncertain significance. Last evaluated: 2025-03-03. Review status: criteria provided, single submitter. Criteria: Invitae Variant Classification Sherloc (09022015). Collection method: clinical testing. Allele origin: germline.
Comment: This sequence change replaces methionine, which is neutral and non-polar, with isoleucine, which is neutral and non-polar, at codon 1025 of the ZSWIM6 protein (p.Met1025Ile). This variant is not present in population databases (gnomAD no frequency). This variant has not been reported in the literature in individuals affected with ZSWIM6-related conditions. Invitae Evidence Modeling of protein sequence and biophysical properties (such as structural, functional, and spatial information, amino acid conservation, physicochemical variation, residue mobility, and thermodynamic stability) indicates that this missense variant is not expected to disrupt ZSWIM6 protein function with a negative predictive value of 80%. In summary, the available evidence is currently insufficient to determine the role of this variant in disease. Therefore, it has been classified as a Variant of Uncertain Significance.